The following is an entry in ClinVar:

ClinVar aggregate classification (germline): Pathogenic (1 of 4 stars; one submission).

Conditions:
Inborn genetic diseases. Identifiers: MedGen C0950123, MeSH D030342.

Submission:

Ambry Genetics
Classification: Pathogenic for Inborn genetic diseases. Last evaluated: 2020-06-04. Review status: criteria provided, single submitter. Criteria: Ambry Variant Classification Scheme 2023. Collection method: clinical testing. Allele origin: germline.
Comment: The c.4181delT pathogenic mutation, located in coding exon 18 of the ARID1B gene, results from a deletion of one nucleotide at nucleotide position 4181, causing a translational frameshift with a predicted alternate stop codon (p.M1394Sfs*54). This alteration is expected to result in loss of function by premature protein truncation or nonsense-mediated mRNA decay. As such, this alteration is interpreted as a disease-causing mutation.

NM_001374828.1(ARID1B):c.4550del (p.Met1517fs)

Gene: ARID1B (AT-rich interaction domain 1B; plus strand). Cytogenetic location: 6q25.3.
Variant type: Deletion.
Coding change: c.4550del on transcript NM_001374828.1 (MANE Select); coding-DNA position 4550, one base deleted (T; older notation c.4550delT).
Protein change: p.Met1517fs; shifts the reading frame from methionine 1517.
Molecular consequence: frameshift variant.
Genome position (GRCh38, 1-based): chr6:157,200,775, T deleted. VCF-style (leftmost placement, unchanged base first): chr6-157200774-AT-A. GRCh37 (hg19) VCF-style: chr6-157521908-AT-A.
Other names: c.4301delT, p.Met1434Serfs (NM_001346813.1); c.2051del, p.Met684fs (NM_001363725.2); c.4430del, p.Met1477fs (NM_001371656.1, NM_001374820.1); c.4391del, p.Met1464fs (NM_017519.3); c.4181delT, p.Met1394Serfs (NM_020732.3); c.3968delT, p.Met1323Serfs (NM_175863.2); short protein forms M684fs, M1464fs, M1477fs, M1517fs.
Identifiers: ClinVar variation 1738505 (VCV001738505.2), dbSNP rs2538670981, ClinGen allele CA2580075310.
Genomic context (GRCh38, chr6:157,200,774, plus strand): 5'-CGCCATATGGACGGCATGTACGGGCCCCCAGCCAAGCGCCACGAGGGCGACATGTACAAC[AT>A]GCAGTACAGCAGCCAGCAGCAGGAGATGTACAACCAGTATGGAGGCTCCTACTCGGGCCC-3'